The following is an entry in ClinVar:

NM_001353345.2(SETD1B):c.4220C>A (p.Pro1407His)

Gene: SETD1B (SET domain containing 1B, histone lysine methyltransferase; plus strand). Cytogenetic location: 12q24.31.
Variant type: single nucleotide variant.
Coding change: c.4220C>A on transcript NM_001353345.2 (MANE Select); coding-DNA position 4220, C replaced by A.
Protein change: p.Pro1407His; replaces proline 1407 with histidine.
Molecular consequence: missense variant.
Genome position (GRCh38, 1-based): chr12:121,822,799, C>A. VCF-style: chr12-121822799-C-A. GRCh37 (hg19) VCF-style: chr12-122260705-C-A.
Other names: short protein forms P1407H.
Identifiers: ClinVar variation 3384313 (VCV003384313.1).

ClinVar aggregate classification (germline): Uncertain significance (1 of 4 stars; one submission).

Submission:

GeneDx
Classification: Uncertain significance. Last evaluated: 2024-06-07. Review status: criteria provided, single submitter. Criteria: GeneDx Variant Classification Process June 2021. Collection method: clinical testing. Allele origin: germline. Affected: yes.
Comment: Not observed at significant frequency in large population cohorts (gnomAD); In silico analysis supports that this missense variant has a deleterious effect on protein structure/function; Has not been previously published as pathogenic or benign to our knowledge